The following is an entry in ClinVar:

NM_021224.6(ZNF462):c.1519G>A (p.Glu507Lys)

Gene: ZNF462 (zinc finger protein 462; plus strand). Cytogenetic location: 9q31.2.
Variant type: single nucleotide variant.
Coding change: c.1519G>A on transcript NM_021224.6 (MANE Select); coding-DNA position 1519, G replaced by A.
Protein change: p.Glu507Lys; replaces glutamic acid 507 with lysine.
Molecular consequence: missense variant.
Genome position (GRCh38, 1-based): chr9:106,925,431, G>A. VCF-style: chr9-106925431-G-A. GRCh37 (hg19) VCF-style: chr9-109687712-G-A.
Other names: c.1519G>A, p.Glu507Lys (NM_001347997.2); short protein forms E507K.
Identifiers: ClinVar variation 2663446 (VCV002663446.2), dbSNP rs2538735078, ClinGen allele CA374384767.

ClinVar aggregate classification (germline): Uncertain significance (1 of 4 stars; one submission).

Submission:

GeneDx
Classification: Uncertain significance. Last evaluated: 2025-08-11. Review status: criteria provided, single submitter. Criteria: GeneDx Variant Classification Process June 2021. Collection method: clinical testing. Allele origin: germline.
Comment: Not observed at significant frequency in large population cohorts (gnomAD); In silico analysis supports that this missense variant does not alter protein structure/function; Has not been previously published as pathogenic or benign to our knowledge